The following is an entry in ClinVar:

NM_003835.4(RGS9):c.314C>G (p.Thr105Arg)

Gene: RGS9 (regulator of G protein signaling 9; plus strand). Cytogenetic location: 17q24.1.
Variant type: single nucleotide variant.
Coding change: c.314C>G on transcript NM_003835.4 (MANE Select); coding-DNA position 314, C replaced by G.
Protein change: p.Thr105Arg; replaces threonine 105 with arginine.
Molecular consequence: missense variant.
Genome position (GRCh38, 1-based): chr17:65,160,537, C>G. VCF-style: chr17-65160537-C-G. GRCh37 (hg19) VCF-style: chr17-63156655-C-G.
Other names: c.314C>G, p.Thr105Arg (NM_001081955.3, NM_001165933.2); short protein forms T105R.
Identifiers: ClinVar variation 708241 (VCV000708241.10), dbSNP rs201997888, ClinGen allele CA8717603.

ClinVar aggregate classification (germline): Conflicting classifications of pathogenicity. Review status: criteria provided, conflicting classifications (1 of 4 stars). 5 submissions from 5 submitters: Uncertain significance (1); Likely benign (3). 1 of the submissions does not count toward it. Last evaluated 2024-11-27.

Conditions:
Inborn genetic diseases. Identifiers: MedGen C0950123, MeSH D030342.
RGS9-related disorder. Also called: RGS9-related condition.

Allele frequency attached by ClinVar (database versions not stated): 1000 Genomes Project 30x 0.00016; 1000 Genomes Project 0.00020; TOPMed 0.00158; gnomAD 0.00178 and 0.00184; gnomAD exomes 0.00188; ExAC 0.00212.
gnomAD v4.1: 3,549 of 1,614,134 alleles (0.22%); highest among the groups gnomAD compares: Non-Finnish European, 0.27%; 7 homozygotes.

Submissions (5):

Blueprint Genetics
Classification: Likely benign. Last evaluated: 2024-11-27. Review status: criteria provided, single submitter. Criteria: ACMG Guidelines, 2015. Collection method: clinical testing. Allele origin: germline.

Ambry Genetics
Classification: Uncertain significance for Inborn genetic diseases. Last evaluated: 2021-06-21. Review status: criteria provided, single submitter. Criteria: Ambry Variant Classification Scheme 2023. Collection method: clinical testing. Allele origin: germline.

Labcorp Genetics (formerly Invitae), Labcorp
Classification: Likely benign. Last evaluated: 2018-04-10. Review status: criteria provided, single submitter. Criteria: Invitae Variant Classification Sherloc (09022015). Collection method: clinical testing. Allele origin: germline.

Breakthrough Genomics
Classification: Likely benign. Review status: criteria provided, single submitter. Criteria: ACMG Guidelines, 2015. Collection method: not provided. Allele origin: germline. Inheritance: Unknown mechanism. Affected: yes.

PreventionGenetics, part of Exact Sciences
Classification: Likely benign for RGS9-related condition. Last evaluated: 2022-02-22. Review status: no assertion criteria provided. Collection method: clinical testing. Allele origin: germline. Not counted in ClinVar's aggregate classification.
Comment: This variant is classified as likely benign based on ACMG/AMP sequence variant interpretation guidelines (Richards et al. 2015 PMID: 25741868, with internal and published modifications).